The following is an entry in ClinVar:

ClinVar aggregate classification (germline): Uncertain significance. Review status: criteria provided, multiple submitters, no conflicts (2 of 4 stars). 3 submissions from 3 submitters: Uncertain significance (3). Last evaluated 2025-06-24.

Conditions:
Congenital lactase deficiency. Also called: ALACTASIA, CONGENITAL; DISACCHARIDE INTOLERANCE II. Identifiers: Orphanet 53690, MedGen C0268179, MONDO:0009115, OMIM 223000.
Inborn genetic diseases. Identifiers: MedGen C0950123, MeSH D030342.

Allele frequency attached by ClinVar (database versions not stated): gnomAD exomes below 0.00001 and 0.00001; TOPMed 0.00001.
gnomAD v4.1: 3 of 1,613,384 alleles (0.00019%); highest among the groups gnomAD compares: Admixed American, 0.0017%; no homozygotes.

Submissions (3):

Ambry Genetics
Classification: Uncertain significance for Inborn genetic diseases. Last evaluated: 2025-06-24. Review status: criteria provided, single submitter. Criteria: Ambry Variant Classification Scheme 2023. Collection method: clinical testing. Allele origin: germline.

Labcorp Genetics (formerly Invitae), Labcorp
Classification: Uncertain significance. Last evaluated: 2022-04-09. Review status: criteria provided, single submitter. Criteria: Invitae Variant Classification Sherloc (09022015). Collection method: clinical testing. Allele origin: germline.
Comment: This sequence change replaces glutamic acid, which is acidic and polar, with lysine, which is basic and polar, at codon 349 of the LCT protein (p.Glu349Lys). This variant is present in population databases (no rsID available, gnomAD 0.003%). This variant has not been reported in the literature in individuals affected with LCT-related conditions. ClinVar contains an entry for this variant (Variation ID: 331205). Algorithms developed to predict the effect of missense changes on protein structure and function output the following: SIFT: "Not Available"; PolyPhen-2: "Benign"; Align-GVGD: "Not Available". The lysine amino acid residue is found in multiple mammalian species, which suggests that this missense change does not adversely affect protein function. In summary, the available evidence is currently insufficient to determine the role of this variant in disease. Therefore, it has been classified as a Variant of Uncertain Significance.

Illumina Laboratory Services, Illumina
Classification: Uncertain significance for Congenital lactase deficiency. Last evaluated: 2018-01-13. Review status: criteria provided, single submitter. Criteria: ICSL Variant Classification Criteria 13 December 2019. Collection method: clinical testing. Allele origin: germline.

NM_002299.4(LCT):c.1045G>A (p.Glu349Lys)

Genes: LCT (lactase; minus strand), LOC126806353 (BRD4-independent group 4 enhancer GRCh37_chr2:136574960-136576159; plus strand). Cytogenetic location: 2q21.3.
Variant type: single nucleotide variant.
Coding change: c.1045G>A on transcript NM_002299.4 (MANE Select); coding-DNA position 1045, G replaced by A.
Protein change: p.Glu349Lys; replaces glutamic acid 349 with lysine.
Molecular consequence: missense variant.
Genome position (GRCh38, 1-based): chr2:135,818,003, C>T on the plus strand (G>A on the coding strand, the complement: LCT is on the minus strand). VCF-style: chr2-135818003-C-T. GRCh37 (hg19) VCF-style: chr2-136575573-C-T.
Other names: c.1045G>A (LRG_338t1); short protein forms E349K.
Identifiers: ClinVar variation 331205 (VCV000331205.9), dbSNP rs886054868, ClinGen allele CA10611193.